The following is an entry in ClinVar:

ClinVar aggregate classification (germline): Uncertain significance (1 of 4 stars; one submission).

Conditions:
Hyperkalemic periodic paralysis. Also called: Familial hyperkalemic periodic paralysis; Gamstorp disease. Identifiers: Orphanet 682, MedGen C0238357, MONDO:0008224, OMIM 170500, HP:0007215.

Submission:

Labcorp Genetics (formerly Invitae), Labcorp
Classification: Uncertain significance for Hyperkalemic periodic paralysis. Last evaluated: 2023-10-15. Review status: criteria provided, single submitter. Criteria: Invitae Variant Classification Sherloc (09022015). Collection method: clinical testing. Allele origin: germline.
Comment: This variant, c.4759_4761del, results in the deletion of 1 amino acid(s) of the SCN4A protein (p.Leu1587del), but otherwise preserves the integrity of the reading frame. This variant is not present in population databases (gnomAD no frequency). This variant has not been reported in the literature in individuals affected with SCN4A-related conditions. Experimental studies and prediction algorithms are not available or were not evaluated, and the functional significance of this variant is currently unknown. In summary, the available evidence is currently insufficient to determine the role of this variant in disease. Therefore, it has been classified as a Variant of Uncertain Significance.

NM_000334.4(SCN4A):c.4759_4761del (p.Leu1587del)

Genes: SCN4A (sodium voltage-gated channel alpha subunit 4; minus strand), GH-LCR (growth hormone locus control region; plus strand). Cytogenetic location: 17q23.3.
Variant type: Deletion.
Coding change: c.4759_4761del on transcript NM_000334.4 (MANE Select); coding-DNA positions 4759 to 4761, 3 bases deleted (CTC; older notation c.4759_4761delCTC).
Protein change: p.Leu1587del; deletes leucine 1587.
Molecular consequence: inframe deletion.
Genome position (GRCh38, 1-based): chr17:63,941,521-63,941,523, GAG deleted on the plus strand (CTC on the coding strand, the reverse complement: SCN4A is on the minus strand); deleting any 3 consecutive bases within chr17:63,941,521-63,941,525 gives the same sequence; the c. name uses the placement nearest the transcript's 3' end. VCF-style (leftmost placement, unchanged base first): chr17-63941520-TGAG-T. GRCh37 (hg19) VCF-style: chr17-62018880-TGAG-T.
Other names: short protein forms L1587del.
Identifiers: ClinVar variation 2768804 (VCV002768804.3), dbSNP rs2509284341, ClinGen allele CA2697555062.